The following is an entry in ClinVar:

NM_004995.4(MMP14):c.958G>A (p.Asp320Asn)

Gene: MMP14 (matrix metallopeptidase 14; plus strand). Cytogenetic location: 14q11.2.
Variant type: single nucleotide variant.
Coding change: c.958G>A on transcript NM_004995.4 (MANE Select); coding-DNA position 958, G replaced by A.
Protein change: p.Asp320Asn; replaces aspartic acid 320 with asparagine.
Molecular consequence: missense variant.
Genome position (GRCh38, 1-based): chr14:22,843,817, G>A. VCF-style: chr14-22843817-G-A. GRCh37 (hg19) VCF-style: chr14-23313026-G-A.
Other names: c.958G>A (NM_004995.2); short protein forms D320N.
Identifiers: ClinVar variation 1425469 (VCV001425469.8), dbSNP rs143934919, ClinGen allele CA7105312.

ClinVar aggregate classification (germline): Uncertain significance. Review status: criteria provided, multiple submitters, no conflicts (2 of 4 stars). 2 submissions from 2 submitters: Uncertain significance (2). Last evaluated 2025-11-05.

Conditions:
Inborn genetic diseases. Identifiers: MedGen C0950123, MeSH D030342.

Allele frequency attached by ClinVar (database versions not stated): gnomAD exomes 0.00001 and 0.00002; ExAC 0.00002; ESP Exome Variant Server 0.00008; 1000 Genomes Project 30x 0.00016; 1000 Genomes Project 0.00020; gnomAD 0.00026 and 0.00029; TOPMed 0.00067.

Submissions (2):

Ambry Genetics
Classification: Uncertain significance for Inborn genetic diseases. Last evaluated: 2025-11-05. Review status: criteria provided, single submitter. Criteria: Ambry Variant Classification Scheme 2023. Collection method: clinical testing. Allele origin: germline.

Labcorp Genetics (formerly Invitae), Labcorp
Classification: Uncertain significance. Last evaluated: 2025-08-27. Review status: criteria provided, single submitter. Criteria: Invitae Variant Classification Sherloc (09022015). Collection method: clinical testing. Allele origin: germline.
Comment: This sequence change replaces aspartic acid, which is acidic and polar, with asparagine, which is neutral and polar, at codon 320 of the MMP14 protein (p.Asp320Asn). This variant is present in population databases (rs143934919, gnomAD 0.01%). This variant has not been reported in the literature in individuals affected with MMP14-related conditions. ClinVar contains an entry for this variant (Variation ID: 1425469). Invitae Evidence Modeling of protein sequence and biophysical properties (such as structural, functional, and spatial information, amino acid conservation, physicochemical variation, residue mobility, and thermodynamic stability) indicates that this missense variant is not expected to disrupt MMP14 protein function with a negative predictive value of 80%. In summary, the available evidence is currently insufficient to determine the role of this variant in disease. Therefore, it has been classified as a Variant of Uncertain Significance.